The following is an entry in ClinVar:

NM_152263.4(TPM3):c.642+10G>T

Gene: TPM3 (tropomyosin 3; minus strand). Cytogenetic location: 1q21.3.
Variant type: single nucleotide variant.
Coding change: c.642+10G>T on transcript NM_152263.4 (MANE Select); 10 bases into the intron after coding-DNA position 642, G replaced by T.
Molecular consequence: intron variant.
Genome position (GRCh38, 1-based): chr1:154,171,403, C>A on the plus strand (G>T on the coding strand, the complement: TPM3 is on the minus strand). VCF-style: chr1-154171403-C-A. GRCh37 (hg19) VCF-style: chr1-154143879-C-A.
Other names: c.642+10G>T (NM_001364679.2, NM_001364681.2); c.642+626G>T (NM_001364680.2, NM_001364682.1); c.333+626G>T (NM_001278188.2); c.531+10G>T (NM_001043351.2, NM_001043353.2, NM_001349679.2); c.531+626G>T (NM_001278190.2, NM_153649.4, NM_001043352.2 and 2 more transcripts); c.261+10G>T (NM_001278191.2).
Identifiers: ClinVar variation 3051428 (VCV003051428.3), dbSNP rs753693280, ClinGen allele CA1125583.
Genomic context (GRCh38, chr1:154,171,403, plus strand): 5'-CCAGTCTTTCATCAAGGGCAGGGCTGGGCCCAGGCCCCAAAGCCTGTCACTTTCACAAAC[C>A]AGCCCCTACCTTCTCCGCCTGAGCCTCAAGAGACTTGAGGTTGTTGGTGACATTCTTCAG-3'

ClinVar aggregate classification (germline): Likely benign. Review status: criteria provided, single submitter (1 of 4 stars). 2 submissions from 2 submitters: Likely benign (1). 1 of the submissions does not count toward it. Last evaluated 2023-05-02.

Conditions:
TPM3-related disorder. Also called: TPM3-related condition.

Allele frequency attached by ClinVar (database versions not stated): TOPMed below 0.00001; ExAC 0.00001; gnomAD exomes 0.00003.
gnomAD v4.1: 18 of 1,614,120 alleles (0.0011%); no homozygotes.

Submissions (2):

Blueprint Genetics
Classification: Likely benign. Last evaluated: 2023-05-02. Review status: criteria provided, single submitter. Criteria: ACMG Guidelines, 2015. Collection method: clinical testing. Allele origin: germline.

PreventionGenetics, part of Exact Sciences
Classification: Likely benign for TPM3-related condition. Last evaluated: 2023-04-20. Review status: no assertion criteria provided. Collection method: clinical testing. Allele origin: germline. Not counted in ClinVar's aggregate classification.
Comment: This variant is classified as likely benign based on ACMG/AMP sequence variant interpretation guidelines (Richards et al. 2015 PMID: 25741868, with internal and published modifications).